The following is an entry in ClinVar:

ClinVar aggregate classification (germline): Pathogenic/Likely pathogenic. Review status: criteria provided, multiple submitters, no conflicts (2 of 4 stars). 2 submissions from 2 submitters: Pathogenic (1); Likely pathogenic (1). Last evaluated 2024-04-23.

Conditions:
Spongy degeneration of central nervous system. Also called: ACY2 DEFICIENCY; AMINOACYLASE 2 DEFICIENCY; ASP DEFICIENCY; ASPA DEFICIENCY; ASPARTOACYLASE DEFICIENCY; CANAVAN-VAN BOGAERT-BERTRAND DISEASE. Identifiers: Orphanet 141, MedGen C0206307, MONDO:0010079, OMIM 271900.
Canavan Disease, Familial Form. Identifiers: MedGen C0751663.

Submissions (2):

Women's Health and Genetics/Laboratory Corporation of America, LabCorp
Classification: Pathogenic for Canavan Disease, Familial Form. Last evaluated: 2024-04-23. Review status: criteria provided, single submitter. Criteria: LabCorp Variant Classification Summary - May 2015. Collection method: clinical testing. Allele origin: germline.
Comment: Variant summary: ASPA c.868G>T (p.Glu290X) results in a premature termination codon, predicted to cause a truncation of the protein, which is a commonly known mechanism for disease. Variants downstream of this position have been classified as pathogenic by our laboratory (example, c.876_879delAGAA(p.Glu293LeufsX8), c.914C>A(p.Ala305Gly)). The variant allele was found at a frequency of 4e-06 in 251430 control chromosomes. To our knowledge, no occurrence of c.868G>T in individuals affected with Canavan Disease and no experimental evidence demonstrating its impact on protein function have been reported. Additionaly, ClinVar contains an entry for this variant (Variation ID: 2678849). Based on the evidence outlined above, the variant was classified as pathogenic.

Baylor Genetics
Classification: Likely pathogenic for Spongy degeneration of central nervous system. Last evaluated: 2023-08-23. Review status: criteria provided, single submitter. Criteria: ACMG Guidelines, 2015. Collection method: clinical testing. Allele origin: unknown.

NM_000049.4(ASPA):c.868G>T (p.Glu290Ter)

Genes: ASPA (aspartoacylase; plus strand), SPATA22 (spermatogenesis associated 22; minus strand). Cytogenetic location: 17p13.2.
Variant type: single nucleotide variant.
Coding change: c.868G>T on transcript NM_000049.4 (MANE Select); coding-DNA position 868, G replaced by T.
Protein change: p.Glu290Ter; replaces glutamic acid 290 with a stop codon.
Molecular consequence: nonsense. On other transcripts: intron variant (2).
Genome position (GRCh38, 1-based): chr17:3,499,014, G>T. VCF-style: chr17-3499014-G-T. GRCh37 (hg19) VCF-style: chr17-3402308-G-T.
Other names: c.868G>T, p.Glu290Ter (NM_001128085.1); c.-74+14398C>A (NM_001321336.2, NM_001321337.2); short protein forms E290*.
Identifiers: ClinVar variation 2678849 (VCV002678849.2), dbSNP rs1331100491, ClinGen allele CA397687783.